The following is an entry in ClinVar:

NM_001458.5(FLNC):c.6500T>C (p.Met2167Thr)

Genes: FLNC-AS1 (FLNC antisense RNA 1; minus strand), FLNC (filamin C; plus strand). Cytogenetic location: 7q32.1.
Variant type: single nucleotide variant.
Coding change: c.6500T>C on transcript NM_001458.5 (MANE Select); coding-DNA position 6500, T replaced by C.
Protein change: p.Met2167Thr; replaces methionine 2167 with threonine.
Molecular consequence: missense variant.
Genome position (GRCh38, 1-based): chr7:128,853,989, T>C. VCF-style: chr7-128853989-T-C. GRCh37 (hg19) VCF-style: chr7-128494043-T-C.
Other names: c.6401T>C, p.Met2134Thr (NM_001127487.2); short protein forms M2134T, M2167T.
Identifiers: ClinVar variation 2937798 (VCV002937798.4), dbSNP rs751507158, ClinGen allele CA4476003.

ClinVar aggregate classification (germline): Uncertain significance. Review status: criteria provided, multiple submitters, no conflicts (2 of 4 stars). 2 submissions from 2 submitters: Uncertain significance (2). Last evaluated 2024-12-06.

Conditions:
Hypertrophic cardiomyopathy 26. Also called: Cardiomyopathy, familial hypertrophic, 26. Identifiers: Orphanet 75249, MedGen C4310749, MONDO:0014883, OMIM 617047.
Myofibrillar myopathy 5. Also called: Filaminopathy (type); FILAMINOPATHY, AUTOSOMAL DOMINANT. Identifiers: Orphanet 171445, MedGen C1836050, MONDO:0012289, OMIM 609524.
Distal myopathy with posterior leg and anterior hand involvement. Also called: WILLIAMS DISTAL MYOPATHY. Identifiers: Orphanet 63273, MedGen C3279722, MONDO:0013550, OMIM 614065.
Myofibrillar myopathy. Identifiers: Orphanet 593, MedGen C2678065, MONDO:0018943, HP:0003715.

Allele frequency attached by ClinVar (database versions not stated): ExAC 0.00001; gnomAD exomes 0.00001.
gnomAD v4.1: 17 of 1,613,290 alleles (0.0011%); highest among the groups gnomAD compares: Non-Finnish European, 0.0014%; no homozygotes.

Submissions (2):

Molecular Genetics, Royal Melbourne Hospital
Classification: Uncertain significance for Myofibrillar myopathy. Last evaluated: 2024-12-06. Review status: criteria provided, single submitter. Criteria: ACMG Guidelines, 2015. Collection method: clinical testing. Allele origin: germline. Inheritance: Autosomal dominant inheritance.
Comment: This sequence change in FLNC is predicted to replace methionine with threonine at codon 2167, p.(Met2167Thr). The methionine residue is highly conserved (100 vertebrates, Multiz Alignments)and is not located in an annotated domain. There is a moderate physicochemical difference between methionine and threonine. FLNC, in which the variant was identified, is a gene significantly constrained for missense variation and where pathogenic missense variants are a common mechanism of disease (gnomAD v4.1, ClinVar). The highest population minor allele frequency in the population database gnomAD v4.1 is 0.0014% (17/1,179,998 alleles) in the European (non-Finnish) population, consistent with FLNC-related conditions. ClinVar contains a single entry for this variant (Variation ID: 2937798). To our knowledge, this variant has not been previously reported in the relevant scientific literature. Computational evidence is uninformative for the missense substitution (REVEL = 0.6). Based on the classification scheme RMH Modified ACMG/AMP Guidelines v1.7.1, this variant is classified as a VARIANT OF UNCERTAIN SIGNIFICANCE. Following criteria are met: PM2_Supporting, PP2.

Labcorp Genetics (formerly Invitae), Labcorp
Classification: Uncertain significance for Distal myopathy with posterior leg and anterior hand involvement; Myofibrillar myopathy 5; Hypertrophic cardiomyopathy 26. Last evaluated: 2024-10-30. Review status: criteria provided, single submitter. Criteria: Invitae Variant Classification Sherloc (09022015). Collection method: clinical testing. Allele origin: germline.
Comment: This sequence change replaces methionine, which is neutral and non-polar, with threonine, which is neutral and polar, at codon 2167 of the FLNC protein (p.Met2167Thr). This variant is present in population databases (rs751507158, gnomAD 0.002%). This variant has not been reported in the literature in individuals affected with FLNC-related conditions. ClinVar contains an entry for this variant (Variation ID: 2937798). An algorithm developed to predict the effect of missense changes on protein structure and function (PolyPhen-2) suggests that this variant is likely to be tolerated. In summary, the available evidence is currently insufficient to determine the role of this variant in disease. Therefore, it has been classified as a Variant of Uncertain Significance.